The following is an entry in ClinVar:

NM_032444.4(SLX4):c.1151_1152inv (p.Pro384Leu)

Gene: SLX4 (SLX4 structure-specific endonuclease subunit; minus strand). Cytogenetic location: 16p13.3.
Variant type: Inversion.
Coding change: c.1151_1152inv on transcript NM_032444.4 (MANE Select).
Protein change: p.Pro384Leu; replaces proline 384 with leucine.
Molecular consequence: missense variant.
Genome position: GRCh38 VCF-style: chr16-3600990-TG-CA. GRCh37 (hg19) VCF-style: chr16-3650991-TG-CA.
Other names: short protein forms P384L.
Identifiers: ClinVar variation 1345913 (VCV001345913.5), ClinGen allele CA2573152048.

ClinVar aggregate classification (germline): Uncertain significance (1 of 4 stars; one submission).

Conditions:
Fanconi anemia (FA). Also called: Fanconi's anemia. Identifiers: Orphanet 84, MedGen C0015625, MeSH D005199, MONDO:0019391.

Submission:

Labcorp Genetics (formerly Invitae), Labcorp
Classification: Uncertain significance for Fanconi anemia. Last evaluated: 2025-05-26. Review status: criteria provided, single submitter. Criteria: Invitae Variant Classification Sherloc (09022015). Collection method: clinical testing. Allele origin: germline.
Comment: This sequence change replaces proline, which is neutral and non-polar, with leucine, which is neutral and non-polar, at codon 384 of the SLX4 protein (p.Pro384Leu). This variant is present in population databases (no rsID available, gnomAD 0.001%). This variant has not been reported in the literature in individuals affected with SLX4-related conditions. ClinVar contains an entry for this variant (Variation ID: 1345913). An algorithm developed to predict the effect of missense changes on protein structure and function (PolyPhen-2) suggests that this variant is likely to be tolerated. In summary, the available evidence is currently insufficient to determine the role of this variant in disease. Therefore, it has been classified as a Variant of Uncertain Significance.